The following is an entry in ClinVar:

ClinVar aggregate classification (germline): Likely pathogenic (1 of 4 stars; one submission).

Conditions:
Hereditary factor VIII deficiency disease (HEMA). Also called: Hemophilia A, congenital; HEM A; Factor 8 deficiency, congenital; HEMOPHILIA, CLASSIC; AUTOSOMAL HEMOPHILIA A; Hemophilia A. Identifiers: Orphanet 98878, MedGen C0019069, MONDO:0010602, OMIM 306700.

Submission:

3billion
Classification: Likely pathogenic for Hereditary factor VIII deficiency disease. Last evaluated: 2023-02-23. Review status: criteria provided, single submitter. Criteria: ACMG Guidelines, 2015. Collection method: clinical testing. Allele origin: unknown. Affected: yes.
Comment: The variant is not observed in the gnomAD v2.1.1 dataset. This variant was predicted to alter splicing and result in a loss or disruption of normal protein function. Multiple pathogenic loss-of-function variants are reported downstream of the variant. Therefore, this variant is classified as Likely pathogenic according to the recommendation of ACMG/AMP guideline.

NM_000132.4(F8):c.5586+2T>C

Gene: F8 (coagulation factor VIII; minus strand). Cytogenetic location: Xq28.
Variant type: single nucleotide variant.
Coding change: c.5586+2T>C on transcript NM_000132.4 (MANE Select); the canonical splice donor site of the intron after coding-DNA position 5586, T replaced by C.
Molecular consequence: splice donor variant.
Genome position (GRCh38, 1-based): chrX:154,904,809, A>G on the plus strand (T>C on the coding strand, the complement: F8 is on the minus strand). VCF-style: chrX-154904809-A-G. GRCh37 (hg19) VCF-style: chrX-154133084-A-G.
Identifiers: ClinVar variation 2444184 (VCV002444184.1), dbSNP rs2523885415, ClinGen allele CA414908349.